The following is an entry in ClinVar:

NM_000369.5(TSHR):c.*182G>T

Genes: TSHR-AS1 (TSHR antisense RNA 1; minus strand), TSHR (thyroid stimulating hormone receptor; plus strand). Cytogenetic location: 14q31.1.
Variant type: single nucleotide variant.
Coding change: c.*182G>T on transcript NM_000369.5 (MANE Select); 182 bases downstream of the stop codon, G replaced by T.
Molecular consequence: 3 prime UTR variant.
Genome position (GRCh38, 1-based): chr14:81,144,535, G>T. VCF-style: chr14-81144535-G-T. GRCh37 (hg19) VCF-style: chr14-81610879-G-T.
Identifiers: ClinVar variation 314704 (VCV000314704.5), dbSNP rs373305430, ClinGen allele CA10645134.
Genomic context (GRCh38, chr14:81,144,535, plus strand): 5'-TCAATGTTTCATGGGGCAAGAGTTTATCTCTGGAGAGTGATTAGTATTAACCTAATCATT[G>T]CCCCCAAGAAGGAAGTTAGGCTACCAGCATATTTGAATGCCAGGTGAAATCAAAATAATC-3'

ClinVar aggregate classification (germline): Conflicting classifications of pathogenicity. Review status: criteria provided, conflicting classifications (1 of 4 stars). 2 submissions from 1 submitter: Uncertain significance (1); Benign (1). Last evaluated 2018-01-13.

Conditions:
Hypothyroidism due to TSH receptor mutations. Also called: HYPOTHYROIDISM DUE TO UNRESPONSIVENESS TO THYROTROPIN; HYPOTHYROIDISM, CONGENITAL, DUE TO TSH RESISTANCE; HYPOTHYROIDISM, NONAUTOIMMUNE; THYROID-STIMULATING HORMONE, RESISTANCE TO; TSH RESISTANCE; Hypothyroidism, congenital, nongoitrous, 1. Identifiers: Orphanet 90673, MedGen C3493776, MONDO:0010142, OMIM 275200.
Familial hyperthyroidism due to mutations in TSH receptor. Also called: HYPERTHYROIDISM, CONGENITAL NONAUTOIMMUNE; HYPERTHYROIDISM, NONAUTOIMMUNE, AUTOSOMAL DOMINANT; TOXIC THYROID HYPERPLASIA, AUTOSOMAL DOMINANT. Identifiers: Orphanet 424, MedGen C1836706, MONDO:0012203, OMIM 609152.

Allele frequency attached by ClinVar (database versions not stated): gnomAD 0.00005 and 0.00091; TOPMed 0.00017; gnomAD exomes 0.00289; 1000 Genomes Project 0.00679; 1000 Genomes Project 30x 0.00703.
gnomAD v4.1: 1,541 of 654,394 alleles (0.24%); highest among the groups gnomAD compares: South Asian, 2.9%; 39 homozygotes.

Submissions (2):

Illumina Laboratory Services, Illumina
Classification: Uncertain significance for Hypothyroidism due to TSH receptor mutations. Last evaluated: 2018-01-13. Review status: criteria provided, single submitter. Criteria: ICSL Variant Classification Criteria 13 December 2019. Collection method: clinical testing. Allele origin: germline.

Illumina Laboratory Services, Illumina
Classification: Benign for Familial hyperthyroidism due to mutations in TSH receptor. Last evaluated: 2018-01-13. Review status: criteria provided, single submitter. Criteria: ICSL Variant Classification Criteria 13 December 2019. Collection method: clinical testing. Allele origin: germline.
Comment: This variant was observed in the ICSL laboratory as part of a predisposition screen in an ostensibly healthy population. It had not been previously curated by ICSL or reported in the Human Gene Mutation Database (HGMD: prior to June 1st, 2018), and was therefore a candidate for classification through an automated scoring system. Utilizing variant allele frequency, disease prevalence and penetrance estimates, and inheritance mode, an automated score was calculated to assess if this variant is too frequent to cause the disease. Based on the score and internal cut-off values, a variant classified as benign is not then subjected to further curation. The score for this variant resulted in a classification of benign for this disease.